The following is an entry in ClinVar:

ClinVar aggregate classification (germline): Conflicting classifications of pathogenicity. Review status: criteria provided, conflicting classifications (1 of 4 stars). 5 submissions from 5 submitters: Uncertain significance (2); Benign (1); Likely benign (2). Last evaluated 2026-07-14.

Conditions:
Rhabdoid tumor predisposition syndrome 2 (RTPS2). Identifiers: Orphanet 231108, Orphanet 69077, MedGen C2750074, MONDO:0013224, OMIM 613325.
Hereditary cancer-predisposing syndrome. Also called: Hereditary Cancer Syndrome; Hereditary neoplastic syndrome; Neoplastic Syndromes, Hereditary; Tumor predisposition. Identifiers: Orphanet 140162, MedGen C0027672, MeSH D009386, MONDO:0015356.

Allele frequency attached by ClinVar (database versions not stated): ESP Exome Variant Server 0.00008; ExAC 0.00001; gnomAD exomes below 0.00001; gnomAD 0.00001.
gnomAD v4.1: 7 of 1,613,192 alleles (0.00043%); highest among the groups gnomAD compares: Non-Finnish European, 0.00051%; no homozygotes.

Submissions (5):

Myriad Genetics, Inc.
Classification: Benign for Rhabdoid tumor predisposition syndrome 2. Last evaluated: 2026-07-14. Review status: criteria provided, single submitter. Criteria: Myriad Autosomal Dominant, Autosomal Recessive and X-Linked Classification Criteria (2023). Collection method: clinical testing. Allele origin: unknown.
Comment: This variant is considered benign. This variant is a silent/synonymous amino acid change and it is not expected to impact splicing.

Labcorp Genetics (formerly Invitae), Labcorp
Classification: Likely benign for Rhabdoid tumor predisposition syndrome 2. Last evaluated: 2026-01-05. Review status: criteria provided, single submitter. Criteria: Invitae Variant Classification Sherloc (09022015). Collection method: clinical testing. Allele origin: germline.

Quest Diagnostics Nichols Institute San Juan Capistrano
Classification: Uncertain significance. Last evaluated: 2025-06-09. Review status: criteria provided, single submitter. Criteria: Quest Diagnostics criteria. Collection method: clinical testing. Allele origin: unknown.
Comment: The SMARCA4 c.2925C>T (p.Phe975=) synonymous variant has not been reported in individuals with SMARCA4-related conditions in the published literature. The frequency of this variant in the general population (Genome Aggregation Database) is uninformative in the assessment of its pathogenicity. Analysis of this variant using software algorithms for the prediction of the effect of nucleotide changes on splicing yielded predictions that this variant does not affect SMARCA4 mRNA splicing. Based on the available information, we are unable to determine the clinical significance of this variant.

GeneDx
Classification: Uncertain significance. Last evaluated: 2022-10-06. Review status: criteria provided, single submitter. Criteria: GeneDx Variant Classification Process June 2021. Collection method: clinical testing. Allele origin: germline. Affected: yes.
Comment: In silico analysis supports that this variant does not alter splicing; Has not been previously published as pathogenic or benign to our knowledge

Ambry Genetics
Classification: Likely benign for Hereditary cancer-predisposing syndrome. Last evaluated: 2015-10-13. Review status: criteria provided, single submitter. Criteria: Ambry Variant Classification Scheme 2023. Collection method: clinical testing. Allele origin: germline.

NM_003072.5(SMARCA4):c.2925C>T (p.Phe975=)

Gene: SMARCA4 (SWI/SNF related BAF chromatin remodeling complex subunit ATPase 4; plus strand). Cytogenetic location: 19p13.2.
Variant type: single nucleotide variant.
Coding change: c.2925C>T on transcript NM_003072.5 (MANE Select); coding-DNA position 2925, C replaced by T.
Protein change: p.Phe975=; no amino-acid change (phenylalanine 975 retained).
Molecular consequence: synonymous variant. On other transcripts: non-coding transcript variant (1).
Genome position (GRCh38, 1-based): chr19:11,023,583, C>T. VCF-style: chr19-11023583-C-T. GRCh37 (hg19) VCF-style: chr19-11134259-C-T.
Other names: c.2925C>T, p.Phe975= (NM_001128844.3, NM_001128845.2, NM_001128846.2 and 5 more transcripts).
Identifiers: ClinVar variation 415056 (VCV000415056.18), dbSNP rs376805784, ClinGen allele CA9204261.
Genomic context (GRCh38, chr19:11,023,583, plus strand): 5'-CCTGAATGAGGAGGAAACCATTCTCATCATCCGGCGTCTCCACAAAGTGCTGCGGCCCTT[C>T]TTGCTCCGACGACTCAAGAAGGAAGTCGAGGCCCAGTTGCCCGAAAAGGTGATGGAGTTT-3'
Protein context (NP_003063.2, residues 965-985): IRRLHKVLRP[Phe975=]LLRRLKKEVE